The following is an entry in ClinVar:

ClinVar aggregate classification (germline): Likely benign. Review status: criteria provided, multiple submitters, no conflicts (2 of 4 stars). 3 submissions from 3 submitters: Likely benign (3). Last evaluated 2025-05-27.

Conditions:
Primary dilated cardiomyopathy (DCM). Also called: Dilated Cardiomyopathy. Identifiers: Orphanet 217604, MedGen C0007193, MeSH D002311, MONDO:0005021, HP:0001644. Inheritance: Various modes of inheritance.

Allele frequency attached by ClinVar (database versions not stated): gnomAD exomes 0.00001 and 0.00005; TOPMed 0.00001; ExAC 0.00002.
gnomAD v4.1: 13 of 1,588,436 alleles (0.00082%); highest among the groups gnomAD compares: Admixed American, 0.022%; no homozygotes.

Submissions (3):

Ambry Genetics
Classification: Likely benign. Last evaluated: 2025-05-27. Review status: criteria provided, single submitter. Criteria: Ambry Variant Classification Scheme 2023. Collection method: clinical testing. Allele origin: germline.

Labcorp Genetics (formerly Invitae), Labcorp
Classification: Likely benign for Primary dilated cardiomyopathy. Last evaluated: 2025-04-14. Review status: criteria provided, single submitter. Criteria: Invitae Variant Classification Sherloc (09022015). Collection method: clinical testing. Allele origin: germline.

GeneDx
Classification: Likely benign. Last evaluated: 2018-03-26. Review status: criteria provided, single submitter. Criteria: GeneDx Variant Classification (06012015). Collection method: clinical testing. Allele origin: germline. Affected: yes.
Comment: This variant is considered likely benign or benign based on one or more of the following criteria: it is a conservative change, it occurs at a poorly conserved position in the protein, it is predicted to be benign by multiple in silico algorithms, and/or has population frequency not consistent with disease.

NM_006393.3(NEBL):c.720G>A (p.Lys240=)

Gene: NEBL (nebulette; minus strand). Cytogenetic location: 10p12.31.
Variant type: single nucleotide variant.
Coding change: c.720G>A on transcript NM_006393.3 (MANE Select); coding-DNA position 720, G replaced by A.
Protein change: p.Lys240=; no amino-acid change (lysine 240 retained).
Molecular consequence: synonymous variant. On other transcripts: intron variant (9).
Genome position (GRCh38, 1-based): chr10:20,859,791, C>T on the plus strand (G>A on the coding strand, the complement: NEBL is on the minus strand). VCF-style: chr10-20859791-C-T. GRCh37 (hg19) VCF-style: chr10-21148720-C-T.
Other names: c.250-46851G>A (NM_001377326.1, NM_001377327.1, NM_001377328.1); c.358-46851G>A (NM_213569.2, NM_001173484.2, NM_001377322.1); c.301-46851G>A (NM_001377324.1); c.292-46851G>A (NM_001377325.1); c.310-46851G>A (NM_001377323.1).
Identifiers: ClinVar variation 681445 (VCV000681445.11), dbSNP rs746237029, ClinGen allele CA5433128.